The following is an entry in ClinVar:

NM_001048174.2(MUTYH):c.383G>A (p.Trp128Ter)

Gene: MUTYH (mutY DNA glycosylase; minus strand). Cytogenetic location: 1p34.1.
Variant type: single nucleotide variant.
Coding change: c.383G>A on transcript NM_001048174.2 (MANE Select); coding-DNA position 383, G replaced by A.
Protein change: p.Trp128Ter; replaces tryptophan 128 with a stop codon.
Molecular consequence: nonsense. On other transcripts: non-coding transcript variant (2).
Genome position (GRCh38, 1-based): chr1:45,332,955, C>T on the plus strand (G>A on the coding strand, the complement: MUTYH is on the minus strand). VCF-style: chr1-45332955-C-T. GRCh37 (hg19) VCF-style: chr1-45798627-C-T.
Other names: c.383G>A, p.Trp128Ter (NM_001048171.2, NM_001048173.2, NM_001293195.2); c.386G>A, p.Trp129Ter (NM_001048172.2); c.467G>A, p.Trp156Ter (NM_001128425.2); c.428G>A, p.Trp143Ter (NM_001293190.2); c.416G>A, p.Trp139Ter (NM_001293191.2); c.107G>A, p.Trp36Ter (NM_001293192.2, NM_001293196.2); c.38G>A, p.Trp13Ter (NM_001350650.2, NM_001350651.2); c.458G>A, p.Trp153Ter (NM_012222.3); short protein forms W156*, W142*, W139*, W143*, W153*, W36*, W128*, W129*.
Identifiers: ClinVar variation 230971 (VCV000230971.48), dbSNP rs762307622, ClinGen allele CA057931.
Genomic context (GRCh38, chr1:45,332,955, plus strand): 5'-CCCTACCCTAGGGTGGCTCTCACCTCCAGGGAAGCACTGGCCAGGTCCTGCAGTGTAGGC[C>T]ACTTCTATAGCCACAGGCAGGCAGAAAGAGACAAGGTCAAGGGTGAAGGTGGTAGAGGAA-3'

ClinVar aggregate classification (germline): Pathogenic/Likely pathogenic. Review status: criteria provided, multiple submitters, no conflicts (2 of 4 stars). 16 submissions from 15 submitters: Pathogenic (12); Likely pathogenic (1). 3 of the submissions do not count toward it. Last evaluated 2026-02-03.

Conditions:
MUTYH-related disorder. Also called: MUTYH-related disorders; MUTYH-related condition.
Gastric cancer. Also called: Malignant tumor of stomach; Stomach cancer. Identifiers: MedGen C0024623, MeSH D013274, MONDO:0001056, OMIM 613659, HP:0012126.
Hereditary cancer-predisposing syndrome. Also called: Neoplastic Syndromes, Hereditary; Hereditary neoplastic syndrome; Tumor predisposition; Hereditary Cancer Syndrome. Identifiers: Orphanet 140162, MedGen C0027672, MeSH D009386, MONDO:0015356.
Familial adenomatous polyposis 2. Also called: COLORECTAL ADENOMATOUS POLYPOSIS, AUTOSOMAL RECESSIVE; MYH-associated polyposis; FAP type 2; MUTYH-related attenuated familial adenomatous polyposis; MUTYH-associated polyposis; MUTYH Polyposis. Identifiers: Orphanet 220460, Orphanet 247798, MedGen C3272841, MONDO:0012041, OMIM 608456.
Carcinoma of colon (CRC). Also called: Colonic carcinoma; Colon carcinoma. Identifiers: MedGen C0699790, MONDO:0002032.

Allele frequency attached by ClinVar (database versions not stated): ExAC 0.00005; gnomAD 0.00003 and 0.00002; gnomAD exomes 0.00006 and 0.00001; TOPMed 0.00002.
gnomAD v4.1: 20 of 1,614,092 alleles (0.0012%); highest among the groups gnomAD compares: East Asian, 0.038%; no homozygotes.

Submissions 1 to 9 of 16:

Labcorp Genetics (formerly Invitae), Labcorp
Classification: Pathogenic for Familial adenomatous polyposis 2. Last evaluated: 2026-02-03. Review status: criteria provided, single submitter. Criteria: Invitae Variant Classification Sherloc (09022015). Collection method: clinical testing. Allele origin: germline.
Comment: This sequence change creates a premature translational stop signal (p.Trp156*) in the MUTYH gene. It is expected to result in an absent or disrupted protein product. Loss-of-function variants in MUTYH are known to be pathogenic (PMID: 18534194, 20663686). This variant is present in population databases (rs762307622, gnomAD 0.09%). This premature translational stop signal has been observed in individual(s) with colorectal cancer (PMID: 25151137, 28127763). This variant is also known as c.425G>A (p.W142X). ClinVar contains an entry for this variant (Variation ID: 230971). Studies have shown that this premature translational stop signal is associated with inconclusive levels of altered splicing (internal data). For these reasons, this variant has been classified as Pathogenic.

Women's Health and Genetics/Laboratory Corporation of America, LabCorp
Classification: Pathogenic for Familial adenomatous polyposis 2. Last evaluated: 2025-12-16. Review status: criteria provided, single submitter. Criteria: LabCorp Variant Classification Summary - May 2015. Collection method: clinical testing. Allele origin: germline.
Comment: Variant summary: MUTYH c.467G>A (p.Trp156X) results in a premature termination codon, predicted to cause absence of the protein due to nonsense mediated decay, which is a commonly known mechanism for disease. The variant allele was found at a frequency of 5.6e-05 in 250380 control chromosomes (gnomAD). This frequency is not significantly higher than estimated for disease-causing variants in MUTYH, allowing no conclusion about variant significance. c.467G>A has been observed in individuals affected with colorectal cancer (e.g. Yao_2022). These data indicate that the variant is likely to be associated with disease. ClinVar contains an entry for this variant (Variation ID: 230971). Based on the evidence outlined above, the variant was classified as pathogenic.

Ambry Genetics
Classification: Pathogenic for Hereditary cancer-predisposing syndrome. Last evaluated: 2025-10-30. Review status: criteria provided, single submitter. Criteria: Ambry Variant Classification Scheme 2023. Collection method: clinical testing. Allele origin: germline.
Comment: The p.W156* pathogenic mutation (also known as c.467G>A), located in coding exon 6 of the MUTYH gene, results from a G to A substitution at nucleotide position 467. This changes the amino acid from a tryptophan to a stop codon within coding exon 6. This alteration was reported as a germline mutation in an individual with advanced stage colorectal cancer whose tumor showed loss of heterozygosity for MUTYH (Pilati C et al. J. Pathol. 2017 May;242:10-15). In addition to the clinical data presented in the literature, this alteration is expected to result in loss of function by premature protein truncation or nonsense-mediated mRNA decay. As such, this alteration is interpreted as a disease-causing mutation.

PreventionGenetics, part of Exact Sciences
Classification: Pathogenic for MUTYH-related condition. Last evaluated: 2025-07-24. Review status: criteria provided, single submitter. Criteria: ACMG Guidelines, 2015. Collection method: clinical testing. Allele origin: germline.
Comment: The MUTYH c.467G>A variant is predicted to result in premature protein termination (p.Trp156*). This variant has been reported in an individuals with colorectal cancer (referred to as c.425G>A, p.W142X in NM_001048171, Guan et al. 2015. PubMed ID: 25151137; Pilati et al. 2017. PubMed ID: 28127763). This variant is reported in 0.080% of alleles in individuals of East Asian descent in gnomAD and is interpreted as pathogenic in ClinVar (Variation ID: 230971). Nonsense variants in MUTYH are expected to be pathogenic. This variant is interpreted as pathogenic.

Color Diagnostics, LLC DBA Color Health
Classification: Pathogenic for Hereditary cancer-predisposing syndrome. Last evaluated: 2024-08-12. Review status: criteria provided, single submitter. Criteria: ACMG Guidelines, 2015. Collection method: clinical testing. Allele origin: germline.
Comment: This variant changes 1 nucleotide in exon 6 of the MUTYH gene, creating a premature translation stop signal. This variant is also known as p.W142X (c.425G>A) in the literature based on an alternate trasncript NM_001048171. This variant is expected to result in an absent or non-functional protein product. This variant has been reported in individuals affected with colorectal cancer (PMID: 25151137, 28127763, 30151276). In two of these individuals, tumors showed loss of hetereozygosity for the MUTYH gene (PMID: 28127763, 30151276). This variant has been identified in 16/281728 chromosomes in the general population by the Genome Aggregation Database (gnomAD). Loss of MUTYH function is a known mechanism of disease. Based on the available evidence, this variant is classified as Pathogenic.

Quest Diagnostics Nichols Institute San Juan Capistrano
Classification: Pathogenic. Last evaluated: 2023-10-29. Review status: criteria provided, single submitter. Criteria: Quest Diagnostics criteria. Collection method: clinical testing. Allele origin: unknown.
Comment: The MUTYH c.467G>A (p.Trp156*) variant causes the premature termination of MUTYH protein synthesis. This variant has been reported in the published literature in individuals with colorectal cancer (PMID: 25151137 (2015), 28127763 (2017), 30151276 (2018), 35014770 (2022)), endometrial cancer (PMID: 30886832 (2019)), pancreatic neuroendocrine tumors (PMID: 33230973 (2020)), breast cancer (PMID: 33471991 (2021) see also LOVD, 36655350 (2023)), and lung cancer (PMID: 35273153 (2022)). This variant has also been reported in unaffected individuals (PMID: 32980694 (2020), 33471991 (2021) see also LOVD). The frequency of this variant in the general population, 0.0008 (16/19940 chromosomes (Genome Aggregation Database)), is uninformative in the assessment of its pathogenicity. Based on the available information, this variant is classified as pathogenic.

Baylor Genetics
Classification: Pathogenic for Familial adenomatous polyposis 2. Last evaluated: 2023-10-18. Review status: criteria provided, single submitter. Criteria: ACMG Guidelines, 2015. Collection method: clinical testing. Allele origin: unknown.

GeneDx
Classification: Pathogenic. Last evaluated: 2023-10-16. Review status: criteria provided, single submitter. Criteria: GeneDx Variant Classification Process June 2021. Collection method: clinical testing. Allele origin: germline. Affected: yes.
Comment: Nonsense variant predicted to result in protein truncation or nonsense mediated decay in a gene for which loss-of-function is a known mechanism of disease; Observed in individuals with colorectal cancer (Guan et al., 2015; Pilati et al., 2017; Cohen et al., 2018); Not observed at significant frequency in large population cohorts (gnomAD); This variant is associated with the following publications: (PMID: 25151137, 28127763, 31203172, 30151276, 29625052, 33230973, 30787465, 34308366, 33830941, 34259353, 36988593, 28873162, 36095024, 36243179, 35273153, 32980694, 35070997, 35422474, 36655350, 36315097)

All of Us Research Program, National Institutes of Health
Classification: Pathogenic for Familial adenomatous polyposis 2. Last evaluated: 2023-04-27. Review status: criteria provided, single submitter. Criteria: ACMG Guidelines, 2015. Collection method: clinical testing. Allele origin: germline. Inheritance: Autosomal recessive inheritance. Observed: 1 variant allele, 1 heterozygote.
Comment: This variant changes 1 nucleotide in exon 6 of the MUTYH gene, creating a premature translation stop signal. This variant is also known as p.W142X (c.425G>A) in the literature based on an alternate trasncript NM_001048171. This variant is expected to result in an absent or non-functional protein product. This variant has been reported in individuals affected with colorectal cancer (PMID: 25151137, 28127763, 30151276). In two of these individuals, tumors showed loss of hetereozygosity for the MUTYH gene (PMID: 28127763, 30151276). This variant has been identified in 16/281728 chromosomes in the general population by the Genome Aggregation Database (gnomAD). Loss of MUTYH function is a known mechanism of disease. Based on the available evidence, this variant is classified as Pathogenic.

This study involves interpretation of variants in research participants for the purpose of population health screening. Participant phenotype was not available at the time of variant classification. Additional details can be found in publication PMID: 35346344, PMCID: PMC8962531